The following is an entry in ClinVar:

NM_004472.3(FOXD1):c.1290_1295dup (p.Ala434_Ser435insAlaAla)

Gene: FOXD1 (forkhead box D1; minus strand). Cytogenetic location: 5q13.2.
Variant type: Duplication.
Coding change: c.1290_1295dup on transcript NM_004472.3 (MANE Select); coding-DNA positions 1290 to 1295, 6 bases duplicated (GGCCGC; older notation c.1290_1295dupGGCCGC).
Protein change: p.Ala434_Ser435insAlaAla.
Genome position (GRCh38, 1-based): chr5:73,447,068-73,447,073, GCGGCC duplicated on the plus strand (GGCCGC on the coding strand, the reverse complement: FOXD1 is on the minus strand); duplicating any 6 consecutive bases within chr5:73,447,068-73,447,078 gives the same sequence; the c. name uses the placement nearest the transcript's 3' end. VCF-style (leftmost placement, unchanged base first): chr5-73447067-G-GGCGGCC. GRCh37 (hg19) VCF-style: chr5-72742894-G-GGCGGCC.
Identifiers: ClinVar variation 3056416 (VCV003056416.2), dbSNP rs370819776, ClinGen allele CA3303012.
Genomic context (GRCh38, chr5:73,447,067, plus strand): 5'-CAGGGCAGTCCCTTGGTGCAGAGTCCCCAAGGCGGCGGACGAGGAGACTGAGGAGGCGGC[G>GGCGGCC]GCGGCCGCGGCGGCCACGAGGGATCGGGTGAGCGCGGCCGCCGGGCCCACGGCCGCCTGC-3'

ClinVar aggregate classification (germline): Likely benign (0 of 4 stars; one submission).

Conditions:
FOXD1-related disorder. Also called: FOXD1-related condition.

Submission:

PreventionGenetics, part of Exact Sciences
Classification: Likely benign for FOXD1-related condition. Last evaluated: 2019-06-03. Review status: no assertion criteria provided. Collection method: clinical testing. Allele origin: germline.
Comment: This variant is classified as likely benign based on ACMG/AMP sequence variant interpretation guidelines (Richards et al. 2015 PMID: 25741868, with internal and published modifications).